The following is an entry in ClinVar:

ClinVar aggregate classification (germline): Pathogenic (1 of 4 stars; one submission).

Conditions:
Gnathodiaphyseal dysplasia (GDD). Also called: GNATHODIAPHYSEAL SCLEROSIS; OSTEOGENESIS IMPERFECTA WITH UNUSUAL SKELETAL LESIONS. Identifiers: Orphanet 53697, MedGen C1833736, MONDO:0008151, OMIM 166260.
Autosomal recessive limb-girdle muscular dystrophy type 2L (LGMDR12). Also called: Limb-girdle muscular dystrophy, type 2L; Limb-Girdle Muscular Dystrophy R12 Anoctamin-5-Related (LGMD-R12); MUSCULAR DYSTROPHY, LIMB-GIRDLE, AUTOSOMAL RECESSIVE 12. Identifiers: Orphanet 206549, MedGen C1969785, MONDO:0012652, OMIM 611307.

Submission:

Labcorp Genetics (formerly Invitae), Labcorp
Classification: Pathogenic for Autosomal recessive limb-girdle muscular dystrophy type 2L; Gnathodiaphyseal dysplasia. Last evaluated: 2022-05-25. Review status: criteria provided, single submitter. Criteria: Invitae Variant Classification Sherloc (09022015). Collection method: clinical testing. Allele origin: germline.
Comment: This variant has not been reported in the literature in individuals affected with ANO5-related conditions. For these reasons, this variant has been classified as Pathogenic. This variant is a gross deletion of the genomic region encompassing exon(s) 1-6 of the ANO5 gene, which includes the initiator codon. This deletion extends beyond the assayed region for this gene and therefore may encompass additional genes. It is expected to result in an absent or disrupted protein product. Loss-of-function variants in ANO5 are known to be pathogenic (PMID: 21186264, 23606453, 25891276, 30919934).

Literature cited by the submitters: PubMed 21186264; PubMed 23606453; PubMed 25891276; PubMed 30919934.

NC_000011.9:g.(?_22215039)_(22247618_?)del

Gene: ANO5 (anoctamin 5; plus strand). Cytogenetic location: 11p14.3.
Variant type: Deletion.
Identifiers: ClinVar variation 1457294 (VCV001457294.7).